The following is an entry in ClinVar:

NM_017654.4(SAMD9):c.3502C>G (p.Gln1168Glu)

Gene: SAMD9 (sterile alpha motif domain containing 9; minus strand). Cytogenetic location: 7q21.2.
Variant type: single nucleotide variant.
Coding change: c.3502C>G on transcript NM_017654.4 (MANE Select); coding-DNA position 3502, C replaced by G.
Protein change: p.Gln1168Glu; replaces glutamine 1168 with glutamic acid.
Molecular consequence: missense variant.
Genome position (GRCh38, 1-based): chr7:93,102,596, G>C on the plus strand (C>G on the coding strand, the complement: SAMD9 is on the minus strand). VCF-style: chr7-93102596-G-C. GRCh37 (hg19) VCF-style: chr7-92731909-G-C.
Other names: c.3502C>G, p.Gln1168Glu (NM_001193307.2); short protein forms Q1168E.
Identifiers: ClinVar variation 3157711 (VCV003157711.4), dbSNP rs756669343, ClinGen allele CA4342690.

ClinVar aggregate classification (germline): Uncertain significance. Review status: criteria provided, multiple submitters, no conflicts (2 of 4 stars). 2 submissions from 2 submitters: Uncertain significance (2). Last evaluated 2025-02-08.

Conditions:
Inborn genetic diseases. Identifiers: MedGen C0950123, MeSH D030342.

Allele frequency attached by ClinVar (database versions not stated): gnomAD 0.00001; TOPMed 0.00001; gnomAD exomes 0.00003; ExAC 0.00009.
gnomAD v4.1: 54 of 1,613,610 alleles (0.0033%); highest among the groups gnomAD compares: Non-Finnish European, 0.003%; no homozygotes.

Submissions (2):

Ambry Genetics
Classification: Uncertain significance for Inborn genetic diseases. Last evaluated: 2025-02-08. Review status: criteria provided, single submitter. Criteria: Ambry Variant Classification Scheme 2023. Collection method: clinical testing. Allele origin: germline.
Comment: The p.Q1168E variant (also known as c.3502C>G), located in coding exon 1 of the SAMD9 gene, results from a C to G substitution at nucleotide position 3502. The glutamine at codon 1168 is replaced by glutamic acid, an amino acid with highly similar properties. This amino acid position is conserved. In addition, this alteration is predicted to be tolerated by in silico analysis. Based on the available evidence, the clinical significance of this variant remains unclear.

Labcorp Genetics (formerly Invitae), Labcorp
Classification: Uncertain significance. Last evaluated: 2024-09-10. Review status: criteria provided, single submitter. Criteria: Invitae Variant Classification Sherloc (09022015). Collection method: clinical testing. Allele origin: germline.
Comment: This sequence change replaces glutamine, which is neutral and polar, with glutamic acid, which is acidic and polar, at codon 1168 of the SAMD9 protein (p.Gln1168Glu). This variant is present in population databases (rs756669343, gnomAD 0.02%). This variant has not been reported in the literature in individuals affected with SAMD9-related conditions. Invitae Evidence Modeling of protein sequence and biophysical properties (such as structural, functional, and spatial information, amino acid conservation, physicochemical variation, residue mobility, and thermodynamic stability) indicates that this missense variant is not expected to disrupt SAMD9 protein function with a negative predictive value of 95%. In summary, the available evidence is currently insufficient to determine the role of this variant in disease. Therefore, it has been classified as a Variant of Uncertain Significance.